The following is an entry in ClinVar:

ClinVar aggregate classification (germline): Uncertain significance (0 of 4 stars; one submission).

Submission:

ISCA site 1
Classification: Uncertain significance. Last evaluated: 2018-02-14. Review status: no assertion criteria provided. Collection method: clinical testing. Allele origin: maternal. Affected: yes. Observed: 1 variant allele.
Comment: Copy number variation identified through the course of routine clinical cytogenomic testing in postnatal populations, with clinical assertions as classified by the original submitter. For data from the original published study, Kaminsky, et al. 2011 (PubMed 21844811), please see nstd101.

GRCh37/hg19 15q13.2-13.3(chr15:31108661-32446830)x1

Genes: CHRNA7 (cholinergic receptor nicotinic alpha 7 subunit), FAN1 (FANCD2 and FANCI associated nuclease 1; plus strand), KLF13 (KLF transcription factor 13; plus strand), MIR211 (microRNA 211; minus strand), MTMR10 (myotubularin related protein 10; minus strand) and 2 more. Cytogenetic location: 15q13.2-13.3.
Variant type: copy number loss.
Change: copy number 1 (one copy instead of two) of chr15:31,108,661-32,446,830 (1.34 Mb, GRCh37 coordinates, 1-based), cytogenetic band 15q13.2-13.3.
Identifiers: ClinVar variation 443751 (VCV000443751.4).